The following is an entry in ClinVar:

ClinVar aggregate classification (germline): Benign/Likely benign. Review status: criteria provided, multiple submitters, no conflicts (2 of 4 stars). 2 submissions from 2 submitters: Benign (1); Likely benign (1). Last evaluated 2024-08-27.

Conditions:
Hereditary cancer-predisposing syndrome. Also called: Hereditary Cancer Syndrome; Hereditary neoplastic syndrome; Neoplastic Syndromes, Hereditary; Tumor predisposition. Identifiers: Orphanet 140162, MedGen C0027672, MeSH D009386, MONDO:0015356.
Familial cancer of breast. Also called: BREAST CANCER, FAMILIAL; hereditary breast carcinoma; Hereditary breast cancer. Identifiers: Orphanet 227535, MedGen C0346153, MONDO:0016419, OMIM 114480. Disease mechanism: loss of function.

gnomAD v4.1: 1 of 1,613,534 alleles (0.000062%); highest among the groups gnomAD compares: East Asian, 0.0022%; no homozygotes.

Submissions (2):

Myriad Genetics, Inc.
Classification: Benign for Familial cancer of breast. Last evaluated: 2024-08-27. Review status: criteria provided, single submitter. Criteria: Myriad Autosomal Dominant, Autosomal Recessive and X-Linked Classification Criteria (2023). Collection method: clinical testing. Allele origin: unknown.
Comment: This variant is considered benign. This variant is a silent/synonymous amino acid change and it is not expected to impact splicing.

Ambry Genetics
Classification: Likely benign for Hereditary cancer-predisposing syndrome. Last evaluated: 2019-12-23. Review status: criteria provided, single submitter. Criteria: Ambry Variant Classification Scheme 2023. Collection method: clinical testing. Allele origin: germline.

NM_032043.3(BRIP1):c.1312C>T (p.Leu438=)

Gene: BRIP1 (BRCA1 interacting DNA helicase 1; minus strand). Cytogenetic location: 17q23.2.
Variant type: single nucleotide variant.
Coding change: c.1312C>T on transcript NM_032043.3 (MANE Select); coding-DNA position 1312, C replaced by T.
Protein change: p.Leu438=; no amino-acid change (leucine 438 retained).
Molecular consequence: synonymous variant.
Genome position (GRCh38, 1-based): chr17:61,799,128, G>A on the plus strand (C>T on the coding strand, the complement: BRIP1 is on the minus strand). VCF-style: chr17-61799128-G-A. GRCh37 (hg19) VCF-style: chr17-59876489-G-A.
Identifiers: ClinVar variation 1769698 (VCV001769698.3), dbSNP rs756119073, ClinGen allele CA8690766.